The following is an entry in ClinVar:

NM_000512.5(GALNS):c.552G>A (p.Trp184Ter)

Gene: GALNS (galactosamine (N-acetyl)-6-sulfatase; minus strand). Cytogenetic location: 16q24.3.
Variant type: single nucleotide variant.
Coding change: c.552G>A on transcript NM_000512.5 (MANE Select); coding-DNA position 552, G replaced by A.
Protein change: p.Trp184Ter; replaces tryptophan 184 with a stop codon.
Molecular consequence: nonsense. On other transcripts: 5 prime UTR variant (1).
Genome position (GRCh38, 1-based): chr16:88,837,636, C>T on the plus strand (G>A on the coding strand, the complement: GALNS is on the minus strand). VCF-style: chr16-88837636-C-T. GRCh37 (hg19) VCF-style: chr16-88904044-C-T.
Other names: c.-4G>A (NM_001323543.2); c.570G>A, p.Trp190Ter (NM_001323544.2); short protein forms W190*, W184*.
Identifiers: ClinVar variation 2816170 (VCV002816170.4), dbSNP rs2543548949, ClinGen allele CA397082703.
Genomic context (GRCh38, chr16:88,837,636, plus strand): 5'-CACAGCAGTTCAGGACGTGGGAGGGGAAGGGGTGGGGCTCCATTACCTGCCAACCATCTC[C>T]CAGTCCCTGTACACAGGGATGTTGGGCCTGGCCTTGTTGTCATAAGGTCCAAAGTGGCAG-3'

ClinVar aggregate classification (germline): Pathogenic/Likely pathogenic. Review status: criteria provided, multiple submitters, no conflicts (2 of 4 stars). 2 submissions from 2 submitters: Pathogenic (1); Likely pathogenic (1). Last evaluated 2022-11-24.

Conditions:
Mucopolysaccharidosis, MPS-IV-A (MPS4A). Also called: Morquio syndrome A, mild; MORQUIO SYNDROME A; GALACTOSAMINE-6-SULFATASE DEFICIENCY; GALNS DEFICIENCY; MORQUIO A DISEASE; Mucopolysaccharidosis type IV A. Identifiers: Orphanet 309297, Orphanet 582, MedGen C0086651, MONDO:0009659, OMIM 253000.

Submissions (2):

Labcorp Genetics (formerly Invitae), Labcorp
Classification: Pathogenic for Mucopolysaccharidosis, MPS-IV-A. Last evaluated: 2022-11-24. Review status: criteria provided, single submitter. Criteria: Invitae Variant Classification Sherloc (09022015). Collection method: clinical testing. Allele origin: germline.
Comment: This sequence change creates a premature translational stop signal (p.Trp184*) in the GALNS gene. It is expected to result in an absent or disrupted protein product. Loss-of-function variants in GALNS are known to be pathogenic (PMID: 12442278). This variant is not present in population databases (gnomAD no frequency). This premature translational stop signal has been observed in individual(s) with GALNS-related conditions (PMID: 31200731). For these reasons, this variant has been classified as Pathogenic.

Neuberg Centre For Genomic Medicine, NCGM
Classification: Likely pathogenic for Mucopolysaccharidosis, MPS-IV-A. Review status: criteria provided, single submitter. Criteria: ACMG Guidelines, 2015. Collection method: clinical testing. Allele origin: germline. Inheritance: Autosomal recessive inheritance. Affected: yes.
Comment: The stop gained c.552G>A(p.Trp184Ter) variant in GALNS gene has not been reported previously as a pathogenic variant nor as a benign variant, to our knowledge. The p.Trp184Ter variant is absent in gnomAD Exomes. This variant has not been submitted to the ClinVar database. The reference nucleotide change c.552G>A in GALNS gene is predicted as conserved by GERP++ and PhyloP across 100 vertebrates. Computational evidence (Mutation Taster - Disease causing) predicts damaging effect on protein structure and function for this variant. This variant is predicted to cause loss of normal protein function through protein truncation. Loss of function variants have been previously reported to be disease causing. Functional studies are required to prove the pathogenicity for the variant, for these reasons, this variant has been classified as Likely Pathogenic.

Literature cited by the submitters: PubMed 12442278 (cited by Labcorp Genetics (formerly Invitae), Labcorp); PubMed 31200731 (cited by Labcorp Genetics (formerly Invitae), Labcorp).